The following is an entry in ClinVar:

ClinVar aggregate classification (germline): Benign. Review status: criteria provided, multiple submitters, no conflicts (2 of 4 stars). 12 submissions from 12 submitters: Benign (9). 3 of the submissions do not count toward it. Last evaluated 2026-02-04.

Conditions:
Jeune thoracic dystrophy. Also called: Jeune syndrome; Infantile thoracic dystrophy; Thoracic pelvic phalangeal dystrophy; Jeune's syndrome; Chondroectodermal dysplasia-like syndrome; Short-rib thoracic dysplasia. Identifiers: Orphanet 474, MedGen C0265275, MONDO:0018770.
Asphyxiating thoracic dystrophy 3. Also called: SHORT-RIB THORACIC DYSPLASIA 3 WITH OR WITHOUT POLYDACTYLY; POLYDACTYLY WITH NEONATAL CHONDRODYSTROPHY, TYPE I; SHORT-RIB THORACIC DYSPLASIA 3/6 WITH POLYDACTYLY, DIGENIC; Short rib polydactyly syndrome 2B; Saldino-Noonan Syndrome. Identifiers: Orphanet 474, Orphanet 93269, Orphanet 93270, Orphanet 93271, MedGen C0036069, MONDO:0013127, OMIM 613091.

Allele frequency attached by ClinVar (database versions not stated): 1000 Genomes Project 0.57149; 1000 Genomes Project 30x 0.57183; gnomAD 0.59243; ESP Exome Variant Server 0.59755; TOPMed 0.60141.
gnomAD v4.1: 984,852 of 1,612,044 alleles (61%); highest among the groups gnomAD compares: Admixed American, 74%; 302,784 homozygotes.

Submissions (12):

Labcorp Genetics (formerly Invitae), Labcorp
Classification: Benign for Jeune thoracic dystrophy. Last evaluated: 2026-02-04. Review status: criteria provided, single submitter. Criteria: Invitae Variant Classification Sherloc (09022015). Collection method: clinical testing. Allele origin: germline.

Women's Health and Genetics/Laboratory Corporation of America, LabCorp
Classification: Benign. Last evaluated: 2026-01-08. Review status: criteria provided, single submitter. Criteria: LabCorp Variant Classification Summary - May 2015. Collection method: clinical testing. Allele origin: germline.

Blueprint Genetics
Classification: Benign. Last evaluated: 2024-11-27. Review status: criteria provided, single submitter. Criteria: ACMG Guidelines, 2015. Collection method: clinical testing. Allele origin: germline.

Mayo Clinic Laboratories, Mayo Clinic
Classification: Benign. Last evaluated: 2022-03-09. Review status: criteria provided, single submitter. Criteria: ACMG Guidelines, 2015. Collection method: clinical testing. Allele origin: germline. Observed: 65 variant alleles.

Genome-Nilou Lab
Classification: Benign for Asphyxiating thoracic dystrophy 3. Last evaluated: 2021-07-30. Review status: criteria provided, single submitter. Criteria: ACMG Guidelines, 2015. Collection method: clinical testing. Allele origin: germline. Affected: no.

Illumina Laboratory Services, Illumina
Classification: Benign for Asphyxiating thoracic dystrophy 3. Last evaluated: 2018-01-12. Review status: criteria provided, single submitter. Criteria: ICSL Variant Classification Criteria 13 December 2019. Collection method: clinical testing. Allele origin: germline.
Comment: This variant was observed in the ICSL laboratory as part of a predisposition screen in an ostensibly healthy population. It had not been previously curated by ICSL or reported in the Human Gene Mutation Database (HGMD: prior to June 1st, 2018), and was therefore a candidate for classification through an automated scoring system. Utilizing variant allele frequency, disease prevalence and penetrance estimates, and inheritance mode, an automated score was calculated to assess if this variant is too frequent to cause the disease. Based on the score and internal cut-off values, a variant classified as benign is not then subjected to further curation. The score for this variant resulted in a classification of benign for this disease.

Laboratory for Molecular Medicine, Mass General Brigham Personalized Medicine
Classification: Benign. Last evaluated: 2016-03-28. Review status: criteria provided, single submitter. Criteria: LMM Criteria. Collection method: clinical testing. Allele origin: germline.
Comment: Variant identified in a genome or exome case(s) and assessed due to predicted null impact of the variant or pathogenic assertions in the literature or databases. Disclaimer: This variant has not undergone full assessment. The following are preliminary notes: Frequency

GeneDx
Classification: Benign. Last evaluated: 2016-03-03. Review status: criteria provided, single submitter. Criteria: GeneDx Variant Classification (06012015). Collection method: clinical testing. Allele origin: germline. Affected: yes.
Comment: This variant is considered likely benign or benign based on one or more of the following criteria: it is a conservative change, it occurs at a poorly conserved position in the protein, it is predicted to be benign by multiple in silico algorithms, and/or has population frequency not consistent with disease.

Breakthrough Genomics
Classification: Benign. Review status: criteria provided, single submitter. Criteria: ACMG Guidelines, 2015. Collection method: not provided. Allele origin: germline. Inheritance: Autosomal recessive inheritance. Affected: yes.

Clinical Genetics DNA and cytogenetics Diagnostics Lab, Erasmus MC, Erasmus Medical Center
Classification: Benign. Review status: no assertion criteria provided. Collection method: clinical testing. Allele origin: germline. Affected: yes. Study: VKGL Data-share Consensus. Not counted in ClinVar's aggregate classification.

Diagnostic Laboratory, Department of Genetics, University Medical Center Groningen
Classification: Benign. Review status: no assertion criteria provided. Collection method: clinical testing. Allele origin: germline. Affected: yes. Study: VKGL Data-share Consensus. Not counted in ClinVar's aggregate classification.

Joint Genome Diagnostic Labs from Nijmegen and Maastricht, Radboudumc and MUMC+
Classification: Benign. Review status: no assertion criteria provided. Collection method: clinical testing. Allele origin: germline. Affected: yes. Study: VKGL Data-share Consensus. Not counted in ClinVar's aggregate classification.

NM_001377.3(DYNC2H1):c.6711A>G (p.Arg2237=)

Gene: DYNC2H1 (dynein cytoplasmic 2 heavy chain 1; plus strand). Cytogenetic location: 11q22.3.
Variant type: single nucleotide variant.
Coding change: c.6711A>G on transcript NM_001377.3 (MANE Select); coding-DNA position 6711, A replaced by G.
Protein change: p.Arg2237=; no amino-acid change (arginine 2237 retained).
Molecular consequence: synonymous variant.
Genome position (GRCh38, 1-based): chr11:103,186,319, A>G. VCF-style: chr11-103186319-A-G. GRCh37 (hg19) VCF-style: chr11-103057048-A-G.
Other names: p.Arg2237=; c.6711A>G, p.Arg2237= (NM_001080463.2).
Identifiers: ClinVar variation 302056 (VCV000302056.32), dbSNP rs658804, ClinGen allele CA6254054.